The following is an entry in ClinVar:

NM_002335.4(LRP5):c.3350T>G (p.Leu1117Arg)

Gene: LRP5 (LDL receptor related protein 5; plus strand). Cytogenetic location: 11q13.2.
Variant type: single nucleotide variant.
Coding change: c.3350T>G on transcript NM_002335.4 (MANE Select); coding-DNA position 3350, T replaced by G.
Protein change: p.Leu1117Arg; replaces leucine 1117 with arginine.
Molecular consequence: missense variant.
Genome position (GRCh38, 1-based): chr11:68,425,215, T>G. VCF-style: chr11-68425215-T-G. GRCh37 (hg19) VCF-style: chr11-68192683-T-G.
Other names: c.1607T>G, p.Leu536Arg (NM_001291902.2); short protein forms L1117R, L536R.
Identifiers: ClinVar variation 2006158 (VCV002006158.4), dbSNP rs2496825351, ClinGen allele CA381621499.

ClinVar aggregate classification (germline): Uncertain significance (1 of 4 stars; one submission).

Allele frequency attached by ClinVar (database versions not stated): gnomAD exomes below 0.00001.
gnomAD v4.1: 1 of 1,613,350 alleles (0.000062%); highest among the groups gnomAD compares: Non-Finnish European, 0.000085%; no homozygotes.

Submission:

Labcorp Genetics (formerly Invitae), Labcorp
Classification: Uncertain significance. Last evaluated: 2023-08-14. Review status: criteria provided, single submitter. Criteria: Invitae Variant Classification Sherloc (09022015). Collection method: clinical testing. Allele origin: germline.
Comment: In summary, the available evidence is currently insufficient to determine the role of this variant in disease. Therefore, it has been classified as a Variant of Uncertain Significance. This sequence change replaces leucine, which is neutral and non-polar, with arginine, which is basic and polar, at codon 1117 of the LRP5 protein (p.Leu1117Arg). This variant is not present in population databases (gnomAD no frequency). This variant has not been reported in the literature in individuals affected with LRP5-related conditions. ClinVar contains an entry for this variant (Variation ID: 2006158). Advanced modeling of protein sequence and biophysical properties (such as structural, functional, and spatial information, amino acid conservation, physicochemical variation, residue mobility, and thermodynamic stability) performed at Invitae indicates that this missense variant is expected to disrupt LRP5 protein function.